The following is an entry in ClinVar:

ClinVar aggregate classification (germline): Benign (1 of 4 stars; one submission).

Allele frequency attached by ClinVar (database versions not stated): 1000 Genomes Project 0.05950; 1000 Genomes Project 30x 0.06012; ESP Exome Variant Server 0.07972; TOPMed 0.08654; gnomAD 0.08989; ExAC 0.10255; gnomAD exomes 0.11507.
gnomAD v4.1: 180,799 of 1,606,278 alleles (11%); highest among the groups gnomAD compares: Non-Finnish European, 13%; 11,262 homozygotes.

Submission:

Unidad de Genómica Garrahan, Hospital de Pediatría Garrahan
Classification: Benign. Last evaluated: 2024-01-24. Review status: criteria provided, single submitter. Criteria: ACMG Guidelines, 2015. Collection method: clinical testing. Allele origin: germline. Affected: no. Observed: 18 variant alleles.
Comment: This variant is classified as Benign based on local population frequency. This variant was detected in 20% of patients studied by a panel of primary immunodeficiencies. Number of patients: 18. Only high quality variants are reported.

NM_001040458.3(ERAP1):c.2671-29T>A

Gene: ERAP1 (endoplasmic reticulum aminopeptidase 1; minus strand). Cytogenetic location: 5q15.
Variant type: single nucleotide variant.
Coding change: c.2671-29T>A on transcript NM_001040458.3 (MANE Select); 29 bases into the intron before coding-DNA position 2671, T replaced by A.
Molecular consequence: intron variant.
Genome position (GRCh38, 1-based): chr5:96,776,580, A>T on the plus strand (T>A on the coding strand, the complement: ERAP1 is on the minus strand). VCF-style: chr5-96776580-A-T. GRCh37 (hg19) VCF-style: chr5-96112284-A-T.
Other names: c.2671-29T>A (NM_001349244.2, NM_016442.5, NM_001198541.3).
Identifiers: ClinVar variation 2688517 (VCV002688517.2), dbSNP rs56213813, ClinGen allele CA3351836.